The following is an entry in ClinVar:

NM_014780.5(CUL7):c.2852G>A (p.Arg951His)

Gene: CUL7 (cullin 7; minus strand). Cytogenetic location: 6p21.1.
Variant type: single nucleotide variant.
Coding change: c.2852G>A on transcript NM_014780.5 (MANE Select); coding-DNA position 2852, G replaced by A.
Protein change: p.Arg951His; replaces arginine 951 with histidine.
Molecular consequence: missense variant.
Genome position (GRCh38, 1-based): chr6:43,045,597, C>T on the plus strand (G>A on the coding strand, the complement: CUL7 is on the minus strand). VCF-style: chr6-43045597-C-T. GRCh37 (hg19) VCF-style: chr6-43013335-C-T.
Other names: c.2948G>A, p.Arg983His (NM_001168370.2, NM_001374872.1); c.2852G>A, p.Arg951His (NM_001374873.1, NM_001374874.1); short protein forms R951H, R983H.
Identifiers: ClinVar variation 4082970 (VCV004082970.1).

ClinVar aggregate classification (germline): Uncertain significance (1 of 4 stars; one submission).

gnomAD v4.1: 16 of 1,614,178 alleles (0.00099%); highest among the groups gnomAD compares: Middle Eastern, 0.033%; 1 homozygote.

Submission:

GeneDx
Classification: Uncertain significance. Last evaluated: 2025-03-06. Review status: criteria provided, single submitter. Criteria: GeneDx Variant Classification Process June 2021. Collection method: clinical testing. Allele origin: germline. Affected: yes.
Comment: In silico analysis supports that this missense variant has a deleterious effect on protein structure/function; Has not been previously published as pathogenic or benign to our knowledge